The following is an entry in ClinVar:

ClinVar aggregate classification (germline): Likely benign. Review status: criteria provided, multiple submitters, no conflicts (2 of 4 stars). 3 submissions from 3 submitters: Likely benign (3). Last evaluated 2026-01-20.

Conditions:
Cohen syndrome (COH1). Also called: Cutis verticis gyrata, retinitis pigmentosa, and sensorineural deafness; PEPPER SYNDROME. Identifiers: Orphanet 193, MedGen C0265223, MONDO:0008999, OMIM 216550.
VPS13B-related disorder. Also called: VPS13B-related condition.

Allele frequency attached by ClinVar (database versions not stated): TOPMed 0.00002; gnomAD 0.00003; gnomAD exomes 0.00003 and 0.00006; ExAC 0.00010.
gnomAD v4.1: 47 of 1,612,748 alleles (0.0029%); highest among the groups gnomAD compares: Non-Finnish European, 0.0038%; no homozygotes.

Submissions (3):

Labcorp Genetics (formerly Invitae), Labcorp
Classification: Likely benign for Cohen syndrome. Last evaluated: 2026-01-20. Review status: criteria provided, single submitter. Criteria: Invitae Variant Classification Sherloc (09022015). Collection method: clinical testing. Allele origin: germline.

PreventionGenetics, part of Exact Sciences
Classification: Likely benign for VPS13B-related condition. Last evaluated: 2025-08-12. Review status: criteria provided, single submitter. Criteria: ACMG Guidelines, 2015. Collection method: clinical testing. Allele origin: germline.
Comment: This variant is classified as likely benign based on ACMG/AMP sequence variant interpretation guidelines (Richards et al. 2015 PMID: 25741868, with internal and published modifications).

Blueprint Genetics
Classification: Likely benign. Last evaluated: 2024-09-12. Review status: criteria provided, single submitter. Criteria: ACMG Guidelines, 2015. Collection method: clinical testing. Allele origin: germline.

NM_152564.5(VPS13B):c.10713C>T (p.Leu3571=)

Gene: VPS13B (vacuolar protein sorting 13 homolog B; plus strand). Cytogenetic location: 8q22.2.
Variant type: single nucleotide variant.
Coding change: c.10713C>T on transcript NM_152564.5 (MANE Select); coding-DNA position 10713, C replaced by T.
Protein change: p.Leu3571=; no amino-acid change (leucine 3571 retained).
Molecular consequence: synonymous variant.
Genome position (GRCh38, 1-based): chr8:99,854,102, C>T. VCF-style: chr8-99854102-C-T. GRCh37 (hg19) VCF-style: chr8-100866330-C-T.
Other names: c.10788C>T, p.Leu3596= (NM_017890.5); c.10713C>T (NM_152564.4).
Identifiers: ClinVar variation 749695 (VCV000749695.12), dbSNP rs756468150, ClinGen allele CA4825005.